The following is an entry in ClinVar:

ClinVar aggregate classification (germline): Conflicting classifications of pathogenicity. Review status: criteria provided, conflicting classifications (1 of 4 stars). 4 submissions from 4 submitters: Uncertain significance (3); Likely benign (1). Last evaluated 2026-07-07.

Conditions:
Hereditary cancer-predisposing syndrome. Also called: Tumor predisposition; Hereditary Cancer Syndrome; Neoplastic Syndromes, Hereditary; Hereditary neoplastic syndrome. Identifiers: Orphanet 140162, MedGen C0027672, MeSH D009386, MONDO:0015356.
Hereditary breast ovarian cancer syndrome. Also called: Hereditary breast and ovarian cancer; BRCA1- and BRCA2-Associated Hereditary Breast and Ovarian Cancer; Breast and ovarian cancer; Hereditary breast and/or ovarian cancer syndrome; Hereditary breast and ovarian cancer syndrome; Hereditary breast and ovarian cancer syndrome (HBOC). Identifiers: Orphanet 145, MedGen C0677776, MeSH D061325, MONDO:0003582. Disease mechanism: loss of function.
Hereditary diffuse gastric adenocarcinoma (HDGC). Also called: DIFFUSE GASTRIC AND LOBULAR BREAST CANCER SYNDROME. Identifiers: Orphanet 26106, MedGen C1708349, MONDO:0007648, OMIM 137215.

Allele frequency attached by ClinVar (database versions not stated): gnomAD exomes below 0.00001.

Submissions (4):

Ambry Genetics
Classification: Likely benign for Hereditary cancer-predisposing syndrome. Last evaluated: 2026-07-07. Review status: criteria provided, single submitter. Criteria: Ambry Variant Classification Scheme 2023. Collection method: clinical testing. Allele origin: germline.

Clinical Genetics Laboratory, Skane University Hospital Lund
Classification: Uncertain significance for Hereditary breast ovarian cancer syndrome. Last evaluated: 2025-07-24. Review status: criteria provided, single submitter. Criteria: ACMG Guidelines, 2015. Collection method: clinical testing. Allele origin: germline. Affected: yes.
Comment: ACMG-criteria applied: PM2.

Center for Genomic Medicine, Rigshospitalet, Copenhagen University Hospital
Classification: Uncertain significance. Last evaluated: 2025-03-04. Review status: criteria provided, single submitter. Criteria: ACMG Guidelines, 2015. Collection method: clinical testing. Allele origin: germline.

Labcorp Genetics (formerly Invitae), Labcorp
Classification: Uncertain significance for Hereditary diffuse gastric adenocarcinoma. Last evaluated: 2024-05-14. Review status: criteria provided, single submitter. Criteria: Invitae Variant Classification Sherloc (09022015). Collection method: clinical testing. Allele origin: germline.
Comment: This sequence change replaces asparagine, which is neutral and polar, with histidine, which is basic and polar, at codon 417 of the CDH1 protein (p.Asn417His). This variant is not present in population databases (gnomAD no frequency). This variant has not been reported in the literature in individuals affected with CDH1-related conditions. ClinVar contains an entry for this variant (Variation ID: 818704). An algorithm developed to predict the effect of missense changes on protein structure and function (PolyPhen-2) suggests that this variant is likely to be disruptive. In summary, the available evidence is currently insufficient to determine the role of this variant in disease. Therefore, it has been classified as a Variant of Uncertain Significance.

NM_004360.5(CDH1):c.1249A>C (p.Asn417His)

Gene: CDH1 (cadherin 1; plus strand). Cytogenetic location: 16q22.1.
Variant type: single nucleotide variant.
Coding change: c.1249A>C on transcript NM_004360.5 (MANE Select); coding-DNA position 1249, A replaced by C.
Protein change: p.Asn417His; replaces asparagine 417 with histidine.
Molecular consequence: missense variant. On other transcripts: 5 prime UTR variant (2), intron variant (1).
Genome position (GRCh38, 1-based): chr16:68,813,424, A>C. VCF-style: chr16-68813424-A-C. GRCh37 (hg19) VCF-style: chr16-68847327-A-C.
Other names: c.-367A>C (NM_001317185.2); c.-571A>C (NM_001317186.2); c.1137+1161A>C (NM_001317184.2); short protein forms N417H.
Identifiers: ClinVar variation 818704 (VCV000818704.21), dbSNP rs1597896022, ClinGen allele CA396461568.